The following is an entry in ClinVar:

NM_007294.4(BRCA1):c.3255A>T (p.Arg1085Ser)

Genes: BRCA1 (BRCA1 DNA repair associated; minus strand), LOC126862571 (BRD4-independent group 4 enhancer GRCh37_chr17:41243136-41244335; plus strand). Cytogenetic location: 17q21.31.
Variant type: single nucleotide variant.
Coding change: c.3255A>T on transcript NM_007294.4 (MANE Select); coding-DNA position 3255, A replaced by T.
Protein change: p.Arg1085Ser; replaces arginine 1085 with serine.
Molecular consequence: missense variant. On other transcripts: intron variant (137).
Genome position (GRCh38, 1-based): chr17:43,092,276, T>A on the plus strand (A>T on the coding strand, the complement: BRCA1 is on the minus strand). VCF-style: chr17-43092276-T-A. GRCh37 (hg19) VCF-style: chr17-41244293-T-A.
Other names: c.3129A>T, p.Arg1043Ser (NM_001407672.1, NM_001407673.1, NM_001407685.1 and 11 more transcripts); c.3132A>T, p.Arg1044Ser (NM_001407674.1, NM_001407675.1, NM_001407676.1 and 19 more transcripts); c.3114A>T, p.Arg1038Ser (NM_001407724.1, NM_001407725.1, NM_001407726.1 and 29 more transcripts); c.3255A>T, p.Arg1085Ser (NM_001407684.1, NM_001407581.1, NM_001407582.1 and 30 more transcripts); c.3042A>T, p.Arg1014Ser (NM_001407571.1, NM_001407853.1, NM_001407894.1 and 9 more transcripts); c.3252A>T, p.Arg1084Ser (NM_001407587.1, NM_001407590.1, NM_001407591.1 and 22 more transcripts); c.3246A>T, p.Arg1082Ser (NM_001407646.1, NM_001407647.1); c.3177A>T, p.Arg1059Ser (NM_001407653.1, NM_001407654.1, NM_001407655.1 and 4 more transcripts); and 41 more; short protein forms R1038S, R1085S, R1015S, R1018S, R1043S, R1058S, R789S, R958S.
Identifiers: ClinVar variation 1034478 (VCV001034478.12), dbSNP rs2053619110, ClinGen allele CA10595473.

ClinVar aggregate classification (germline): Conflicting classifications of pathogenicity. Review status: criteria provided, conflicting classifications (1 of 4 stars). 2 submissions from 2 submitters: Uncertain significance (1); Likely benign (1). Last evaluated 2023-06-26.

Conditions:
Hereditary cancer-predisposing syndrome. Also called: Hereditary neoplastic syndrome; Neoplastic Syndromes, Hereditary; Tumor predisposition; Hereditary Cancer Syndrome. Identifiers: Orphanet 140162, MedGen C0027672, MeSH D009386, MONDO:0015356.
Hereditary breast ovarian cancer syndrome. Also called: Hereditary breast and ovarian cancer syndrome; Hereditary breast and/or ovarian cancer syndrome; Hereditary breast and ovarian cancer; Hereditary breast and ovarian cancer syndrome (HBOC); Breast and ovarian cancer; BRCA1- and BRCA2-Associated Hereditary Breast and Ovarian Cancer. Identifiers: Orphanet 145, MedGen C0677776, MeSH D061325, MONDO:0003582. Disease mechanism: loss of function.

Submissions (2):

Labcorp Genetics (formerly Invitae), Labcorp
Classification: Uncertain significance for Hereditary breast ovarian cancer syndrome. Last evaluated: 2023-06-26. Review status: criteria provided, single submitter. Criteria: Invitae Variant Classification Sherloc (09022015). Collection method: clinical testing. Allele origin: germline.
Comment: This variant is not present in population databases (gnomAD no frequency). This variant has not been reported in the literature in individuals affected with BRCA1-related conditions. ClinVar contains an entry for this variant (Variation ID: 1034478). Advanced modeling of protein sequence and biophysical properties (such as structural, functional, and spatial information, amino acid conservation, physicochemical variation, residue mobility, and thermodynamic stability) performed at Invitae indicates that this missense variant is not expected to disrupt BRCA1 protein function. In summary, the available evidence is currently insufficient to determine the role of this variant in disease. Therefore, it has been classified as a Variant of Uncertain Significance. This sequence change replaces arginine, which is basic and polar, with serine, which is neutral and polar, at codon 1085 of the BRCA1 protein (p.Arg1085Ser).

University of Washington Department of Laboratory Medicine, University of Washington
Classification: Likely benign for Hereditary cancer-predisposing syndrome. Last evaluated: 2023-03-23. Review status: criteria provided, single submitter. Criteria: Dines et al. (Genet Med. 2020). Collection method: curation. Allele origin: germline.
Comment: Missense variant in a coldspot region where missense variants are very unlikely to be pathogenic (PMID:31911673).

BRCA1 coldspot (exon 11 using historical exon numbering). Reclassification based on statistical prior probability